The following is an entry in ClinVar:

NM_003743.5(NCOA1):c.2011T>G (p.Ser671Ala)

Gene: NCOA1 (nuclear receptor coactivator 1; plus strand). Cytogenetic location: 2p23.3.
Variant type: single nucleotide variant.
Coding change: c.2011T>G on transcript NM_003743.5 (MANE Select); coding-DNA position 2011, T replaced by G.
Protein change: p.Ser671Ala; replaces serine 671 with alanine.
Molecular consequence: missense variant.
Genome position (GRCh38, 1-based): chr2:24,707,481, T>G. VCF-style: chr2-24707481-T-G. GRCh37 (hg19) VCF-style: chr2-24930350-T-G.
Other names: c.2011T>G, p.Ser671Ala (NM_001362950.1, NM_001362952.1, NM_001362954.1 and 3 more transcripts); short protein forms S671A.
Identifiers: ClinVar variation 3357323 (VCV003357323.1).
Genomic context (GRCh38, chr2:24,707,481, plus strand): 5'-GACACAAGCTGCAAAGATGTCCTGTCTTGCACAGGCACTTCCAACTCTGCCTCTGCTAAC[T>G]CTTCAGGAGGTTCTTGTCCCTCTTCTCATAGCTCATTGACAGAACGGCATAAAATTCTAC-3'
Protein context (NP_003734.3, residues 661-681): TGTSNSASAN[Ser671Ala]SGGSCPSSHS

ClinVar aggregate classification (germline): Uncertain significance (0 of 4 stars; one submission).

Conditions:
NCOA1-related disorder. Also called: NCOA1-related condition.

gnomAD v4.1: 71 of 1,614,090 alleles (0.0044%); highest among the groups gnomAD compares: Non-Finnish European, 0.0058%; no homozygotes.

Submission:

PreventionGenetics, part of Exact Sciences
Classification: Uncertain significance for NCOA1-related condition. Last evaluated: 2024-04-30. Review status: no assertion criteria provided. Collection method: clinical testing. Allele origin: germline.
Comment: The NCOA1 c.2011T>G variant is predicted to result in the amino acid substitution p.Ser671Ala. To our knowledge, this variant has not been reported in the literature to be associated with obesity. This variant has been found in the heterozygous state in a patient with recurrent pregnancy loss, but its pathogenicity was not elucidated (Quintero-Ronderos et al. 2017. PubMed ID: 29016666). This variant is reported in 0.0058% of alleles in individuals of Latino descent in gnomAD. At this time, the clinical significance of this variant is uncertain due to the absence of conclusive functional and genetic evidence.